The following is an entry in ClinVar:

ClinVar aggregate classification (germline): Uncertain significance. Review status: criteria provided, multiple submitters, no conflicts (2 of 4 stars). 2 submissions from 2 submitters: Uncertain significance (2). Last evaluated 2024-11-18.

Conditions:
Noonan syndrome (NS). Also called: Noonan's syndrome. Identifiers: Orphanet 648, MedGen C0028326, MeSH D009634, MONDO:0018997. Disease mechanism: gain of function.

Allele frequency attached by ClinVar (database versions not stated): gnomAD 0.00001; gnomAD exomes 0.00001; TOPMed 0.00002.

Submissions (2):

Blueprint Genetics
Classification: Uncertain significance. Last evaluated: 2024-11-18. Review status: criteria provided, single submitter. Criteria: ACMG Guidelines, 2015. Collection method: clinical testing. Allele origin: germline.

Labcorp Genetics (formerly Invitae), Labcorp
Classification: Uncertain significance for Noonan syndrome. Last evaluated: 2022-06-13. Review status: criteria provided, single submitter. Criteria: Invitae Variant Classification Sherloc (09022015). Collection method: clinical testing. Allele origin: germline.
Comment: In summary, the available evidence is currently insufficient to determine the role of this variant in disease. Therefore, it has been classified as a Variant of Uncertain Significance. Algorithms developed to predict the effect of missense changes on protein structure and function are either unavailable or do not agree on the potential impact of this missense change (SIFT: "Tolerated"; PolyPhen-2: "Possibly Damaging"; Align-GVGD: "Class C0"). ClinVar contains an entry for this variant (Variation ID: 636997). This variant has not been reported in the literature in individuals affected with RRAS-related conditions. The frequency data for this variant in the population databases is considered unreliable, as metrics indicate poor data quality at this position in the gnomAD database. This sequence change replaces proline, which is neutral and non-polar, with serine, which is neutral and polar, at codon 21 of the RRAS protein (p.Pro21Ser).

NM_006270.5(RRAS):c.61C>T (p.Pro21Ser)

Gene: RRAS (RAS related; minus strand). Cytogenetic location: 19q13.33.
Variant type: single nucleotide variant.
Coding change: c.61C>T on transcript NM_006270.5 (MANE Select); coding-DNA position 61, C replaced by T.
Protein change: p.Pro21Ser; replaces proline 21 with serine.
Molecular consequence: missense variant.
Genome position (GRCh38, 1-based): chr19:49,640,038, G>A on the plus strand (C>T on the coding strand, the complement: RRAS is on the minus strand). VCF-style: chr19-49640038-G-A. GRCh37 (hg19) VCF-style: chr19-50143295-G-A.
Other names: short protein forms P21S.
Identifiers: ClinVar variation 636997 (VCV000636997.10), dbSNP rs1166281308, ClinGen allele CA406849900.